The following is an entry in ClinVar:

ClinVar aggregate classification (germline): Uncertain significance. Review status: criteria provided, multiple submitters, no conflicts (2 of 4 stars). 2 submissions from 2 submitters: Uncertain significance (2). Last evaluated 2024-05-29.

Conditions:
Hereditary cancer-predisposing syndrome. Also called: Neoplastic Syndromes, Hereditary; Tumor predisposition; Hereditary Cancer Syndrome; Hereditary neoplastic syndrome. Identifiers: Orphanet 140162, MedGen C0027672, MeSH D009386, MONDO:0015356.
Rhabdoid tumor predisposition syndrome 2 (RTPS2). Identifiers: Orphanet 231108, Orphanet 69077, MedGen C2750074, MONDO:0013224, OMIM 613325.

Submissions (2):

Labcorp Genetics (formerly Invitae), Labcorp
Classification: Uncertain significance for Rhabdoid tumor predisposition syndrome 2. Last evaluated: 2024-05-29. Review status: criteria provided, single submitter. Criteria: Invitae Variant Classification Sherloc (09022015). Collection method: clinical testing. Allele origin: germline.
Comment: This sequence change replaces proline, which is neutral and non-polar, with serine, which is neutral and polar, at codon 234 of the SMARCA4 protein (p.Pro234Ser). This variant is not present in population databases (gnomAD no frequency). This variant has not been reported in the literature in individuals affected with SMARCA4-related conditions. ClinVar contains an entry for this variant (Variation ID: 1756671). Advanced modeling of protein sequence and biophysical properties (such as structural, functional, and spatial information, amino acid conservation, physicochemical variation, residue mobility, and thermodynamic stability) performed at Invitae indicates that this missense variant is not expected to disrupt SMARCA4 protein function with a negative predictive value of 95%. In summary, the available evidence is currently insufficient to determine the role of this variant in disease. Therefore, it has been classified as a Variant of Uncertain Significance.

Ambry Genetics
Classification: Uncertain significance for Hereditary cancer-predisposing syndrome. Last evaluated: 2022-06-06. Review status: criteria provided, single submitter. Criteria: Ambry Variant Classification Scheme 2023. Collection method: clinical testing. Allele origin: germline.
Comment: The p.P234S variant (also known as c.700C>T), located in coding exon 3 of the SMARCA4 gene, results from a C to T substitution at nucleotide position 700. The proline at codon 234 is replaced by serine, an amino acid with similar properties. This amino acid position is well conserved in available vertebrate species. In addition, this alteration is predicted to be tolerated by in silico analysis. Missense and in-frame variants in SMARCA4 are known to cause neurodevelopmental disorders; however, such associations with rhabdoid tumor predisposition syndrome including small cell carcinoma of the ovary-hypercalcemic type (SCCOHT) are exceedingly rare (Kosho T et al. Am J Med Genet C Semin Med Genet. 2014 Sep;166C(3):262-75; Jelinic P et al. Nat Genet. 2014 May;46(5):424-6). Based on the supporting evidence, the association of this alteration with Coffin-Siris syndrome is unknown; however, the association of this alteration with rhabdoid tumor predisposition syndrome is unlikely.

NM_003072.5(SMARCA4):c.700C>T (p.Pro234Ser)

Gene: SMARCA4 (SWI/SNF related BAF chromatin remodeling complex subunit ATPase 4; plus strand). Cytogenetic location: 19p13.2.
Variant type: single nucleotide variant.
Coding change: c.700C>T on transcript NM_003072.5 (MANE Select); coding-DNA position 700, C replaced by T.
Protein change: p.Pro234Ser; replaces proline 234 with serine.
Molecular consequence: missense variant. On other transcripts: non-coding transcript variant (1).
Genome position (GRCh38, 1-based): chr19:10,986,533, C>T. VCF-style: chr19-10986533-C-T. GRCh37 (hg19) VCF-style: chr19-11097209-C-T.
Other names: c.700C>T, p.Pro234Ser (NM_001128844.3, NM_001128845.2, NM_001128846.2 and 6 more transcripts); short protein forms P234S.
Identifiers: ClinVar variation 1756671 (VCV001756671.4), dbSNP rs1291486335, ClinGen allele CA404057067.